The following is an entry in ClinVar:

ClinVar aggregate classification (germline): Pathogenic. Review status: criteria provided, multiple submitters, no conflicts (2 of 4 stars). 4 submissions from 4 submitters: Pathogenic (4). Last evaluated 2024-02-28.

Conditions:
Joubert syndrome 6 (JBTS6). Identifiers: Orphanet 475, MedGen C1853153, MONDO:0012539, OMIM 610688.
COACH syndrome 1. Identifiers: Orphanet 1454, MedGen C5435651, MONDO:0800103, OMIM 216360, MONDO:0008996.
Meckel syndrome, type 3 (MKS3). Also called: MECKEL-GRUBER SYNDROME, TYPE 3. Identifiers: Orphanet 564, MedGen C1846357, MONDO:0011821, OMIM 607361.
Nephronophthisis 11 (NPHP11). Identifiers: Orphanet 84081, MedGen C3150796, MONDO:0013302, OMIM 613550.
RHYNS syndrome. Also called: RETINITIS PIGMENTOSA SYNDROME; RETINITIS PIGMENTOSA, HYPOPITUITARISM, NEPHRONOPHTHISIS, AND MILD SKELETAL DYSPLASIA. Identifiers: Orphanet 140976, MedGen C1865794, MONDO:0011202, OMIM 602152.
Bardet-Biedl syndrome 14 (BBS14). Identifiers: Orphanet 110, MedGen C2673874, MONDO:0014442, OMIM 615991.
Meckel-Gruber syndrome. Also called: DYSENCEPHALIA SPLANCHNOCYSTICA; Dysencephalia splachnocystica; GRUBER SYNDROME. Identifiers: Orphanet 564, MedGen C0265215, MONDO:0018921.
Joubert syndrome. Also called: Familial aplasia of the vermis; JOUBERT-BOLTSHAUSER SYNDROME. Identifiers: Orphanet 475, MedGen C5979921, MONDO:0018772.

Allele frequency attached by ClinVar (database versions not stated): gnomAD 0.00001; gnomAD exomes 0.00001 and 0.00002; TOPMed 0.00001; ExAC 0.00002; 1000 Genomes Project 30x 0.00031; 1000 Genomes Project 0.00040.
gnomAD v4.1: 22 of 1,612,838 alleles (0.0014%); highest among the groups gnomAD compares: East Asian, 0.011%; no homozygotes.

Submissions (4):

Fulgent Genetics
Classification: Pathogenic for COACH syndrome 1; RHYNS syndrome; Meckel syndrome, type 3; Joubert syndrome 6; Nephronophthisis 11; Bardet-Biedl syndrome 14. Last evaluated: 2024-02-28. Review status: criteria provided, single submitter. Criteria: ACMG Guidelines, 2015. Collection method: clinical testing. Allele origin: germline.

Labcorp Genetics (formerly Invitae), Labcorp
Classification: Pathogenic for Joubert syndrome; Meckel-Gruber syndrome. Last evaluated: 2024-02-19. Review status: criteria provided, single submitter. Criteria: Invitae Variant Classification Sherloc (09022015). Collection method: clinical testing. Allele origin: germline.
Comment: This sequence change creates a premature translational stop signal (p.Arg643*) in the TMEM67 gene. It is expected to result in an absent or disrupted protein product. Loss-of-function variants in TMEM67 are known to be pathogenic (PMID: 20232449, 23559409). This variant is present in population databases (rs115195998, gnomAD 0.006%). This variant has not been reported in the literature in individuals affected with TMEM67-related conditions. ClinVar contains an entry for this variant (Variation ID: 1454299). Algorithms developed to predict the effect of sequence changes on RNA splicing suggest that this variant may disrupt the consensus splice site. For these reasons, this variant has been classified as Pathogenic.

Department of Maternal-Fetal Biology, National Research Institute for Child Health and Development
Classification: Pathogenic for Meckel syndrome, type 3. Last evaluated: 2022-01-01. Review status: criteria provided, single submitter. Criteria: ACMG Guidelines, 2015. Collection method: research. Allele origin: maternal. Affected: yes. Observed: 1 variant allele.

Juno Genomics, Hangzhou Juno Genomics, Inc
Classification: Pathogenic for Joubert syndrome 6. Review status: criteria provided, single submitter. Criteria: ACMG Guidelines, 2015. Collection method: clinical testing. Allele origin: germline.
Comment: Absent from controls (or at extremely low frequency if recessive) in Genome Aggregation Database.;Null variant in a gene where loss of function (LOF) is a known mechanism of disease.;For recessive disorders, detected in trans with a pathogenic variant.

Literature cited by the submitters: PubMed 20232449 (cited by Labcorp Genetics (formerly Invitae), Labcorp); PubMed 23559409 (cited by Labcorp Genetics (formerly Invitae), Labcorp).

NM_153704.6(TMEM67):c.1927C>T (p.Arg643Ter)

Gene: TMEM67 (transmembrane protein 67; plus strand). Cytogenetic location: 8q22.1.
Variant type: single nucleotide variant.
Coding change: c.1927C>T on transcript NM_153704.6 (MANE Select); coding-DNA position 1927, C replaced by T.
Protein change: p.Arg643Ter; replaces arginine 643 with a stop codon.
Molecular consequence: nonsense. On other transcripts: non-coding transcript variant (1).
Genome position (GRCh38, 1-based): chr8:93,797,200, C>T. VCF-style: chr8-93797200-C-T. GRCh37 (hg19) VCF-style: chr8-94809428-C-T.
Other names: c.1684C>T, p.Arg562Ter (NM_001142301.1); short protein forms R562*, R643*.
Identifiers: ClinVar variation 1454299 (VCV001454299.11), dbSNP rs115195998, ClinGen allele CA4808154.